The following is an entry in ClinVar:

NM_206933.4(USH2A):c.10709G>T (p.Cys3570Phe)

Gene: USH2A (usherin; minus strand). Cytogenetic location: 1q41.
Variant type: single nucleotide variant.
Coding change: c.10709G>T on transcript NM_206933.4 (MANE Select); coding-DNA position 10709, G replaced by T.
Protein change: p.Cys3570Phe; replaces cysteine 3570 with phenylalanine.
Molecular consequence: missense variant.
Genome position (GRCh38, 1-based): chr1:215,782,073, C>A on the plus strand (G>T on the coding strand, the complement: USH2A is on the minus strand). VCF-style: chr1-215782073-C-A. GRCh37 (hg19) VCF-style: chr1-215955415-C-A.
Other names: short protein forms C3570F.
Identifiers: ClinVar variation 2734079 (VCV002734079.3), dbSNP rs2464391471, ClinGen allele CA344836263.

ClinVar aggregate classification (germline): Likely pathogenic (1 of 4 stars; one submission).

Submission:

Labcorp Genetics (formerly Invitae), Labcorp
Classification: Likely pathogenic. Last evaluated: 2023-10-12. Review status: criteria provided, single submitter. Criteria: Invitae Variant Classification Sherloc (09022015). Collection method: clinical testing. Allele origin: germline.
Comment: This sequence change replaces cysteine, which is neutral and slightly polar, with phenylalanine, which is neutral and non-polar, at codon 3570 of the USH2A protein (p.Cys3570Phe). This variant is not present in population databases (gnomAD no frequency). This missense change has been observed in individual(s) with retinitis pigmentosa and/or Usher syndrome (PMID: 26806561, 30358468). Advanced modeling of protein sequence and biophysical properties (such as structural, functional, and spatial information, amino acid conservation, physicochemical variation, residue mobility, and thermodynamic stability) performed at Invitae indicates that this missense variant is expected to disrupt USH2A protein function. In summary, the currently available evidence indicates that the variant is pathogenic, but additional data are needed to prove that conclusively. Therefore, this variant has been classified as Likely Pathogenic.

Literature cited by the submitters: PubMed 26806561; PubMed 30358468.